The following is an entry in ClinVar:

NM_000070.3(CAPN3):c.310-244G>A

Gene: CAPN3 (calpain 3; plus strand). Cytogenetic location: 15q15.1.
Variant type: single nucleotide variant.
Coding change: c.310-244G>A on transcript NM_000070.3 (MANE Select); 244 bases into the intron before coding-DNA position 310, G replaced by A.
Molecular consequence: intron variant.
Genome position (GRCh38, 1-based): chr15:42,384,239, G>A. VCF-style: chr15-42384239-G-A. GRCh37 (hg19) VCF-style: chr15-42676437-G-A.
Other names: c.310-244G>A (NM_024344.2, NM_173087.2).
Identifiers: ClinVar variation 680083 (VCV000680083.1), dbSNP rs28364388, ClinGen allele CA14143616.

ClinVar aggregate classification (germline): Benign (1 of 4 stars; one submission).

Allele frequency attached by ClinVar (database versions not stated): gnomAD 0.15999 and 0.16401; TOPMed 0.17010; 1000 Genomes Project 0.19928; 1000 Genomes Project 30x 0.20472.
gnomAD v4.1: 24,797 of 151,788 alleles (16%); highest among the groups gnomAD compares: South Asian, 26%; 2,197 homozygotes.

Submission:

GeneDx
Classification: Benign. Last evaluated: 2018-06-14. Review status: criteria provided, single submitter. Criteria: GeneDx Variant Classification (06012015). Collection method: clinical testing. Allele origin: germline. Affected: yes.
Comment: This variant is considered likely benign or benign based on one or more of the following criteria: it is a conservative change, it occurs at a poorly conserved position in the protein, it is predicted to be benign by multiple in silico algorithms, and/or has population frequency not consistent with disease.